The following is an entry in ClinVar:

ClinVar aggregate classification (germline): Pathogenic/Likely pathogenic. Review status: criteria provided, multiple submitters, no conflicts (2 of 4 stars). 7 submissions from 7 submitters: Pathogenic (2); Likely pathogenic (4). 1 of the submissions does not count toward it. Last evaluated 2025-09-29.

Conditions:
Congenital microcephaly - severe encephalopathy - progressive cerebral atrophy syndrome. Also called: ASNS DEFICIENCY; Asparagine synthetase deficiency. Identifiers: Orphanet 391376, MedGen C3809971, MONDO:0014258, OMIM 615574.

Allele frequency attached by ClinVar (database versions not stated): gnomAD exomes below 0.00001; ExAC 0.00001.
gnomAD v4.1: 3 of 1,612,834 alleles (0.00019%); highest among the groups gnomAD compares: Middle Eastern, 0.035%; no homozygotes.

Submissions (7):

Natera, Inc.
Classification: Likely pathogenic for Asparagine synthetase deficiency. Last evaluated: 2025-09-29. Review status: criteria provided, single submitter. Criteria: Natera Variant Classification Schema (03/2026). Collection method: clinical testing. Allele origin: germline.
Comment: The c.1084T>G variant in ASNS is a missense variant predicted to cause substitution of phenylalanine to valine at amino acid 362. This variant is rare in the general population with a frequency below the threshold expected for the associated phenotype(s). This variant has been observed in one or more individuals affected with the associated recessive disease, as either homozygous or compound heterozygous with a second variant (PMID: 24139043). Additionally, this variant has been observed to segregate in affected family members (PMID: 24139043). Functional studies show that this variant may disrupt protein function (PMID: 24139043). Computational prediction algorithms indicate this variant is likely to affect gene or protein function. Given the available evidence, this variant is classified as Likely Pathogenic.

Labcorp Genetics (formerly Invitae), Labcorp
Classification: Pathogenic. Last evaluated: 2024-10-23. Review status: criteria provided, single submitter. Criteria: Invitae Variant Classification Sherloc (09022015). Collection method: clinical testing. Allele origin: germline.
Comment: This sequence change replaces phenylalanine, which is neutral and non-polar, with valine, which is neutral and non-polar, at codon 362 of the ASNS protein (p.Phe362Val). This variant is present in population databases (rs398122973, gnomAD 0.0009%). This missense change has been observed in individuals with asparagine synthetase deficiency (PMID: 24139043). It has also been observed to segregate with disease in related individuals. ClinVar contains an entry for this variant (Variation ID: 91840). Invitae Evidence Modeling of protein sequence and biophysical properties (such as structural, functional, and spatial information, amino acid conservation, physicochemical variation, residue mobility, and thermodynamic stability) has been performed for this missense variant. However, the output from this modeling did not meet the statistical confidence thresholds required to predict the impact of this variant on ASNS protein function. Experimental studies have shown that this missense change affects ASNS function (PMID: 24139043). For these reasons, this variant has been classified as Pathogenic.

Revvity Omics, Revvity
Classification: Pathogenic for Congenital microcephaly - severe encephalopathy - progressive cerebral atrophy syndrome. Last evaluated: 2022-06-17. Review status: criteria provided, single submitter. Criteria: ACMG Guidelines, 2015. Collection method: clinical testing. Allele origin: germline.

Broad Center for Mendelian Genomics, Broad Institute of MIT and Harvard
Classification: Likely pathogenic for Congenital microcephaly - severe encephalopathy - progressive cerebral atrophy syndrome. Last evaluated: 2022-05-04. Review status: criteria provided, single submitter. Criteria: ACMG Guidelines, 2015. Collection method: curation. Allele origin: germline.
Comment: The variant has been reported in 4 Iranian Jewish individuals with asparagine synthetase deficiency (PMID: 24139043), segregated with disease in 2 affected relatives from 2 families (PMID: 24139043), but was absent from large population studies. This variant has also been reported in ClinVar (Variation ID: 91840) as pathogenic by Invitae and OMIM, and as likely pathogenic by CeGaT Praxis fuer Humangenetik Tuebingen. In vitro functional studies provide some evidence that the p.Phe362Val variant may impact protein function (PMID: 24139043). However, these types of assays may not accurately represent biological function. Computational prediction tools and conservation analyses do not provide strong support for or against an impact to the protein. The presence of this variant in 5 affected homozygotes, and in 5 individuals with asparagine synthetase deficiency increases the likelihood that the p.Phe362Val variant is pathogenic (PMID: 24139043). In summary, although additional studies are required to fully establish its clinical significance, this variant is likely pathogenic. ACMG/AMP Criteria applied: PM2, PM3, PP1_moderate, PS3_moderate (Richards 2015).

Fulgent Genetics
Classification: Likely pathogenic for Congenital microcephaly - severe encephalopathy - progressive cerebral atrophy syndrome. Last evaluated: 2022-03-18. Review status: criteria provided, single submitter. Criteria: ACMG Guidelines, 2015. Collection method: clinical testing. Allele origin: unknown.

CeGaT Center for Human Genetics Tuebingen
Classification: Likely pathogenic. Last evaluated: 2018-12-01. Review status: criteria provided, single submitter. Criteria: CeGaT Center For Human Genetics Tuebingen Variant Classification Criteria Version 2. Collection method: clinical testing. Allele origin: germline. Affected: yes. Observed: 1 variant allele.

OMIM
Classification: Pathogenic for ASPARAGINE SYNTHETASE DEFICIENCY. Last evaluated: 2013-10-16. Review status: no assertion criteria provided. Collection method: literature only. Allele origin: germline. Not counted in ClinVar's aggregate classification.

Literature cited by the submitters: PubMed 24139043 (cited by 3 submitters).

NM_001673.5(ASNS):c.1084T>G (p.Phe362Val)

Genes: ASNS (asparagine synthetase (glutamine-hydrolyzing); minus strand), CZ1P-ASNS (CZ1P-ASNS readthrough; minus strand). Cytogenetic location: 7q21.3.
Variant type: single nucleotide variant.
Coding change: c.1084T>G on transcript NM_001673.5 (MANE Select); coding-DNA position 1084, T replaced by G.
Protein change: p.Phe362Val; replaces phenylalanine 362 with valine.
Molecular consequence: missense variant. On other transcripts: non-coding transcript variant (1).
Genome position (GRCh38, 1-based): chr7:97,855,406, A>C on the plus strand (T>G on the coding strand, the complement: ASNS is on the minus strand). VCF-style: chr7-97855406-A-C. GRCh37 (hg19) VCF-style: chr7-97484718-A-C.
Other names: NM_001673.5(ASNS):c.1084T>G; c.1084T>G, p.Phe362Val (NM_133436.3, NM_001352496.2, NM_183356.4); c.1021T>G, p.Phe341Val (NM_001178075.2); c.835T>G, p.Phe279Val (NM_001178076.2, NM_001178077.1); short protein forms F362V, F341V, F279V.
Identifiers: ClinVar variation 91840 (VCV000091840.57), dbSNP rs398122973, ClinGen allele CA145467.